The following is an entry in ClinVar:

NM_000379.4(XDH):c.169A>T (p.Lys57Ter)

Gene: XDH (xanthine dehydrogenase; minus strand). Cytogenetic location: 2p23.1.
Variant type: single nucleotide variant.
Coding change: c.169A>T on transcript NM_000379.4 (MANE Select); coding-DNA position 169, A replaced by T.
Protein change: p.Lys57Ter; replaces lysine 57 with a stop codon.
Molecular consequence: nonsense.
Genome position (GRCh38, 1-based): chr2:31,403,076, T>A on the plus strand (A>T on the coding strand, the complement: XDH is on the minus strand). VCF-style: chr2-31403076-T-A. GRCh37 (hg19) VCF-style: chr2-31625942-T-A.
Other names: short protein forms K57*.
Identifiers: ClinVar variation 3586556 (VCV003586556.3).

ClinVar aggregate classification (germline): Likely pathogenic. Review status: criteria provided, multiple submitters, no conflicts (2 of 4 stars). 2 submissions from 2 submitters: Likely pathogenic (2). Last evaluated 2026-04-18.

Conditions:
Hereditary xanthinuria type 1 (XAN1). Identifiers: Orphanet 3467, Orphanet 93601, MedGen C0268118, MONDO:0010209, OMIM 278300.

gnomAD v4.1: 2 of 1,614,032 alleles (0.00012%); highest among the groups gnomAD compares: Non-Finnish European, 0.00017%; no homozygotes.

Submissions (2):

Dasa
Classification: Likely pathogenic. Last evaluated: 2026-04-18. Review status: criteria provided, single submitter. Criteria: DASA Assertion Criteria. Collection method: clinical testing. Allele origin: germline.
Comment: NM_000379.4(XDH):c.169A>T (p.Lys57*) is a nonsense variant in XDH predicted to introduce a premature termination codon and is predicted to result in an absent or altered protein product. Loss of function is an established disease mechanism for XDH-associated disorders. Also, this variant is rare in population databases. Based on the currently available evidence, this variant is classified as likely pathogenic.

Fulgent Genetics
Classification: Likely pathogenic for Hereditary xanthinuria type 1. Last evaluated: 2024-03-04. Review status: criteria provided, single submitter. Criteria: ACMG Guidelines, 2015. Collection method: clinical testing. Allele origin: germline.